The following is an entry in ClinVar:

NM_003632.3(CNTNAP1):c.3047C>T (p.Ala1016Val)

Gene: CNTNAP1 (contactin associated protein 1; plus strand). Cytogenetic location: 17q21.2.
Variant type: single nucleotide variant.
Coding change: c.3047C>T on transcript NM_003632.3 (MANE Select); coding-DNA position 3047, C replaced by T.
Protein change: p.Ala1016Val; replaces alanine 1016 with valine.
Molecular consequence: missense variant.
Genome position (GRCh38, 1-based): chr17:42,695,575, C>T. VCF-style: chr17-42695575-C-T. GRCh37 (hg19) VCF-style: chr17-40847593-C-T.
Other names: short protein forms A1016V.
Identifiers: ClinVar variation 452906 (VCV000452906.2), dbSNP rs145807393, ClinGen allele CA8582231.

ClinVar aggregate classification (germline): Uncertain significance (1 of 4 stars; one submission).

Allele frequency attached by ClinVar (database versions not stated): TOPMed 0.00003 and 0.00002; ESP Exome Variant Server 0.00015; gnomAD exomes 0.00002; gnomAD 0.00003; ExAC 0.00003.
gnomAD v4.1: 27 of 1,613,928 alleles (0.0017%); highest among the groups gnomAD compares: South Asian, 0.0022%; no homozygotes.

Submission:

GeneDx
Classification: Uncertain significance. Last evaluated: 2017-10-26. Review status: criteria provided, single submitter. Criteria: GeneDx Variant Classification (06012015). Collection method: clinical testing. Allele origin: germline. Affected: yes.
Comment: The A1016V variant in the CNTNAP1 gene has not been reported previously as a pathogenic variant, nor as a benign variant, to our knowledge. The A1016V variant is observed in 1/30,782 (0.003%) alleles from individuals of South Asian background in large population cohorts (Lek et al., 2016). The A1016V variant is a conservative amino acid substitution, which is not likely to impact secondary protein structure as these residues share similar properties. This substitution occurs at a position that is conserved in mammals. In silico analysis is inconsistent in its predictions as to whether or not the variant is damaging to the protein structure/function. We interpret A1016V as a variant of uncertain significance.